The following is an entry in ClinVar:

NM_001164508.2(NEB):c.5225T>G (p.Leu1742Arg)

Gene: NEB (nebulin; minus strand). Cytogenetic location: 2q23.3.
Variant type: single nucleotide variant.
Coding change: c.5225T>G on transcript NM_001164508.2 (MANE Select); coding-DNA position 5225, T replaced by G.
Protein change: p.Leu1742Arg; replaces leucine 1742 with arginine.
Molecular consequence: missense variant.
Genome position (GRCh38, 1-based): chr2:151,665,346, A>C on the plus strand (T>G on the coding strand, the complement: NEB is on the minus strand). VCF-style: chr2-151665346-A-C. GRCh37 (hg19) VCF-style: chr2-152521860-A-C.
Other names: c.5225T>G, p.Leu1742Arg (NM_001164507.2, NM_001271208.2, NM_004543.5); c.5225T>G (NM_004543.4); short protein forms L1742R.
Identifiers: ClinVar variation 257817 (VCV000257817.11), dbSNP rs202113159, ClinGen allele CA1910428.

ClinVar aggregate classification (germline): Conflicting classifications of pathogenicity. Review status: criteria provided, conflicting classifications (1 of 4 stars). 4 submissions from 4 submitters: Uncertain significance (1); Benign (1); Likely benign (2). Last evaluated 2026-01-24.

Conditions:
Nemaline myopathy 2 (NEM2). Also called: Nemaline myopathy 2, autosomal recessive. Identifiers: MedGen C1850569, MONDO:0009725, OMIM 256030.
Inborn genetic diseases. Identifiers: MedGen C0950123, MeSH D030342.

Allele frequency attached by ClinVar (database versions not stated): ExAC 0.00014; gnomAD exomes 0.00015 and 0.00024; TOPMed 0.00015; gnomAD 0.00017 and 0.00019.
gnomAD v4.1: 372 of 1,613,268 alleles (0.023%); highest among the groups gnomAD compares: Non-Finnish European, 0.03%; 2 homozygotes.

Submissions (4):

Labcorp Genetics (formerly Invitae), Labcorp
Classification: Benign for Nemaline myopathy 2. Last evaluated: 2026-01-24. Review status: criteria provided, single submitter. Criteria: Invitae Variant Classification Sherloc (09022015). Collection method: clinical testing. Allele origin: germline.

Ambry Genetics
Classification: Uncertain significance for Inborn genetic diseases. Last evaluated: 2025-08-11. Review status: criteria provided, single submitter. Criteria: Ambry Variant Classification Scheme 2023. Collection method: clinical testing. Allele origin: germline.

GeneDx
Classification: Likely benign. Last evaluated: 2017-03-23. Review status: criteria provided, single submitter. Criteria: GeneDx Variant Classification (06012015). Collection method: clinical testing. Allele origin: germline. Affected: yes.
Comment: This variant is considered likely benign or benign based on one or more of the following criteria: it is a conservative change, it occurs at a poorly conserved position in the protein, it is predicted to be benign by multiple in silico algorithms, and/or has population frequency not consistent with disease.

PreventionGenetics, part of Exact Sciences
Classification: Likely benign. Review status: criteria provided, single submitter. Criteria: ACMG Guidelines, 2015. Collection method: clinical testing. Allele origin: germline.